The following is an entry in ClinVar:

ClinVar aggregate classification (germline): Uncertain significance. Review status: criteria provided, multiple submitters, no conflicts (2 of 4 stars). 3 submissions from 3 submitters: Uncertain significance (3). Last evaluated 2025-11-25.

Conditions:
Hereditary pancreatitis (PCTT). Also called: PRSS1-Related Hereditary Pancreatitis; Hereditary chronic pancreatitis. Identifiers: Orphanet 676, MedGen C0238339, MONDO:0008185, OMIM 167800.

Allele frequency attached by ClinVar (database versions not stated): ExAC 0.00001; gnomAD 0.00001; gnomAD exomes 0.00001 and 0.00003; TOPMed 0.00001.
gnomAD v4.1: 22 of 1,610,406 alleles (0.0014%); highest among the groups gnomAD compares: East Asian, 0.0045%; no homozygotes.

Submissions (3):

Ambry Genetics
Classification: Uncertain significance for Hereditary pancreatitis. Last evaluated: 2025-11-25. Review status: criteria provided, single submitter. Criteria: Ambry Variant Classification Scheme 2023. Collection method: clinical testing. Allele origin: germline.
Comment: The p.R65W variant (also known as c.193C>T), located in coding exon 3 of the SPINK1 gene, results from a C to T substitution at nucleotide position 193. The arginine at codon 65 is replaced by tryptophan, an amino acid with dissimilar properties. This variant was identified in a cohort of normolipemic controls individuals with lipoprotein lipase deficiency; however, specific details were not provided (Tremblay K et al. Front Genet, 2014 Apr;5:90). In HEK293 cells, this variant demonstrated similar mRNA levels compared to wild type (Wu H et al. Genes (Basel), 2017 Oct;8:). This amino acid position is poorly conserved in available vertebrate species. In addition, this alteration is predicted to be tolerated by in silico analysis. Based on available evidence to date, the clinical significance of this alteration remains unclear.

Labcorp Genetics (formerly Invitae), Labcorp
Classification: Uncertain significance for Hereditary pancreatitis. Last evaluated: 2024-01-31. Review status: criteria provided, single submitter. Criteria: Invitae Variant Classification Sherloc (09022015). Collection method: clinical testing. Allele origin: germline.
Comment: This sequence change replaces arginine, which is basic and polar, with tryptophan, which is neutral and slightly polar, at codon 65 of the SPINK1 protein (p.Arg65Trp). This variant is present in population databases (rs536203389, gnomAD 0.005%). This missense change has been observed in individual(s) with chronic pancreatitis (PMID: 33515547). ClinVar contains an entry for this variant (Variation ID: 496198). An algorithm developed to predict the effect of missense changes on protein structure and function (PolyPhen-2) suggests that this variant is likely to be tolerated. In summary, the available evidence is currently insufficient to determine the role of this variant in disease. Therefore, it has been classified as a Variant of Uncertain Significance.

Women's Health and Genetics/Laboratory Corporation of America, LabCorp
Classification: Uncertain significance. Last evaluated: 2017-01-27. Review status: criteria provided, single submitter. Criteria: LabCorp Variant Classification Summary - May 2015. Collection method: clinical testing. Allele origin: germline.
Comment: Variant summary: The SPINK1 c.193C>T (p.Arg65Trp) variant involves the alteration of a non-conserved nucleotide. 2/4 in silico tools predict a benign outcome for this variant (SNPs&GO not captured due to low reliability index). This variant was found in 1/102932 control chromosomes at a frequency of 0.0000097, which does not exceed the estimated maximal expected allele frequency of a pathogenic SPINK1 variant (0.00025). The variant was reported in a publication in a cohort of healthy and LPL deficiency patients. The variant has not been reported in affected individuals by clinical labs or databases. Taken together, this variant is classified as VUS.

Literature cited by the submitters: PubMed 24795752 (cited by Ambry Genetics and Women's Health and Genetics/Laboratory Corporation of America, LabCorp); PubMed 28994706 (cited by Ambry Genetics); PubMed 33515547 (cited by Labcorp Genetics (formerly Invitae), Labcorp).

NM_001379610.1(SPINK1):c.193C>T (p.Arg65Trp)

Gene: SPINK1 (serine peptidase inhibitor Kazal type 1; minus strand). Cytogenetic location: 5q32.
Variant type: single nucleotide variant.
Coding change: c.193C>T on transcript NM_001379610.1 (MANE Select); coding-DNA position 193, C replaced by T.
Protein change: p.Arg65Trp; replaces arginine 65 with tryptophan.
Molecular consequence: missense variant.
Genome position (GRCh38, 1-based): chr5:147,828,023, G>A on the plus strand (C>T on the coding strand, the complement: SPINK1 is on the minus strand). VCF-style: chr5-147828023-G-A. GRCh37 (hg19) VCF-style: chr5-147207586-G-A.
Other names: c.193C>T, p.Arg65Trp (NM_001354966.2, NM_003122.5); short protein forms R65W.
Identifiers: ClinVar variation 496198 (VCV000496198.9), dbSNP rs536203389, ClinGen allele CA3494775.
Genomic context (GRCh38, chr5:147,828,023, plus strand): 5'-CACTTGAAGATAACTAACTTAAAATATATAGTTTAAAAGAAACTCAAGTTTGTACTCACC[G>A]ATTTTCAAAACATAACACGCATTCATTGGGATAAGTATTTCCATCAGTCCCACAGACAGG-3'
Protein context (NP_001366539.1, residues 55-75): PNECVLCFEN[Arg65Trp]KRQTSILIQK